The following is an entry in ClinVar:

NM_024079.5(ALG8):c.95+5G>C

Gene: ALG8 (ALG8 alpha-1,3-glucosyltransferase; minus strand). Cytogenetic location: 11q14.1.
Variant type: single nucleotide variant.
Coding change: c.95+5G>C on transcript NM_024079.5 (MANE Select); 5 bases into the intron after coding-DNA position 95, G replaced by C.
Molecular consequence: intron variant.
Genome position (GRCh38, 1-based): chr11:78,139,489, C>G on the plus strand (G>C on the coding strand, the complement: ALG8 is on the minus strand). VCF-style: chr11-78139489-C-G. GRCh37 (hg19) VCF-style: chr11-77850535-C-G.
Other names: c.-170+40G>C (NM_001425234.1); c.95+5G>C (NM_001425231.1, NM_001425220.1, NM_001425240.1 and 16 more transcripts); c.21+5G>C (NM_001425235.1, NM_001425226.1, NM_001425236.1); c.-418+5G>C (NM_001425241.1); c.-456+5G>C (NM_001425242.1); c.-288+5G>C (NM_001425239.1).
Identifiers: ClinVar variation 4749444 (VCV004749444.1).

ClinVar aggregate classification (germline): Uncertain significance (1 of 4 stars; one submission).

Conditions:
ALG8 congenital disorder of glycosylation. Also called: CONGENITAL DISORDER OF GLYCOSYLATION, TYPE Ih; CDG Ih; ALG8-CDG. Identifiers: Orphanet 79325, MedGen C2931002, MONDO:0011969, OMIM 608104.

gnomAD v4.1: 1 of 1,555,744 alleles (0.000064%); highest among the groups gnomAD compares: Admixed American, 0.0019%; no homozygotes.

Submission:

Labcorp Genetics (formerly Invitae), Labcorp
Classification: Uncertain significance for ALG8 congenital disorder of glycosylation. Last evaluated: 2025-02-12. Review status: criteria provided, single submitter. Criteria: Invitae Variant Classification Sherloc (09022015). Collection method: clinical testing. Allele origin: germline.
Comment: This sequence change falls in intron 1 of the ALG8 gene. It does not directly change the encoded amino acid sequence of the ALG8 protein. It affects a nucleotide within the consensus splice site. This variant is not present in population databases (gnomAD no frequency). This variant has not been reported in the literature in individuals affected with ALG8-related conditions. Variants that disrupt the consensus splice site are a relatively common cause of aberrant splicing (PMID: 17576681, 9536098). Algorithms developed to predict the effect of sequence changes on RNA splicing suggest that this variant may disrupt the consensus splice site. In summary, the available evidence is currently insufficient to determine the role of this variant in disease. Therefore, it has been classified as a Variant of Uncertain Significance.

Literature cited by the submitters: PubMed 17576681; PubMed 9536098.